The following is an entry in ClinVar:

ClinVar aggregate classification (germline): Uncertain significance (1 of 4 stars; one submission).

Conditions:
Progressive microcephaly-seizures-cortical blindness-developmental delay syndrome. Also called: Seizures, cortical blindness, and microcephaly syndrome. Identifiers: Orphanet 477814, MedGen C5567650, MONDO:0014714, OMIM 616632.
Autosomal dominant nonsyndromic hearing loss 1. Also called: DEAFNESS, AUTOSOMAL DOMINANT 1, WITH OR WITHOUT THROMBOCYTOPENIA; KONIGSMARK SYNDROME. Identifiers: Orphanet 90635, MedGen C1852282, MONDO:0007424, OMIM 124900.

gnomAD v4.1: 1 of 1,610,156 alleles (0.000062%); no homozygotes.

Submission:

Labcorp Genetics (formerly Invitae), Labcorp
Classification: Uncertain significance for Progressive microcephaly-seizures-cortical blindness-developmental delay syndrome; Autosomal dominant nonsyndromic hearing loss 1. Last evaluated: 2023-06-22. Review status: criteria provided, single submitter. Criteria: Invitae Variant Classification Sherloc (09022015). Collection method: clinical testing. Allele origin: germline.
Comment: This sequence change replaces threonine, which is neutral and polar, with asparagine, which is neutral and polar, at codon 594 of the DIAPH1 protein (p.Thr594Asn). This variant is not present in population databases (gnomAD no frequency). This variant has not been reported in the literature in individuals affected with DIAPH1-related conditions. Experimental studies and prediction algorithms are not available or were not evaluated, and the functional significance of this variant is currently unknown. In summary, the available evidence is currently insufficient to determine the role of this variant in disease. Therefore, it has been classified as a Variant of Uncertain Significance.

NM_005219.5(DIAPH1):c.1781C>A (p.Thr594Asn)

Gene: DIAPH1 (diaphanous related formin 1; minus strand). Cytogenetic location: 5q31.3.
Variant type: single nucleotide variant.
Coding change: c.1781C>A on transcript NM_005219.5 (MANE Select); coding-DNA position 1781, C replaced by A.
Protein change: p.Thr594Asn; replaces threonine 594 with asparagine.
Molecular consequence: missense variant.
Genome position (GRCh38, 1-based): chr5:141,574,069, G>T on the plus strand (C>A on the coding strand, the complement: DIAPH1 is on the minus strand). VCF-style: chr5-141574069-G-T. GRCh37 (hg19) VCF-style: chr5-140953636-G-T.
Other names: c.1754C>A, p.Thr585Asn (NM_001079812.3); c.1781C>A, p.Thr594Asn (NM_001314007.2); short protein forms T585N, T594N.
Identifiers: ClinVar variation 2923337 (VCV002923337.3), dbSNP rs1562321356, ClinGen allele CA361521254.
Genomic context (GRCh38, chr5:141,574,069, plus strand): 5'-GGAGGAGGAGGAGGAGGAGGAGTGGTACTATCCCCAGGAGCAGGTGGTGGTGGAATAATA[G>T]TGCCAGAGTCACCAGGTAAAGGAGGGGCAGGGGGAACAGGAGCACGACTAGGAACAGAAG-3'
Protein context (NP_005210.3, residues 584-604): PAPPLPGDSG[Thr594Asn]IIPPPPAPGD